The following is an entry in ClinVar:

NM_144670.6(A2ML1):c.967A>T (p.Thr323Ser)

Gene: A2ML1 (alpha-2-macroglobulin like 1; plus strand). Cytogenetic location: 12p13.31.
Variant type: single nucleotide variant.
Coding change: c.967A>T on transcript NM_144670.6 (MANE Select); coding-DNA position 967, A replaced by T.
Protein change: p.Thr323Ser; replaces threonine 323 with serine.
Molecular consequence: missense variant.
Genome position (GRCh38, 1-based): chr12:8,838,447, A>T. VCF-style: chr12-8838447-A-T. GRCh37 (hg19) VCF-style: chr12-8991043-A-T.
Other names: short protein forms T323S.
Identifiers: ClinVar variation 1767758 (VCV001767758.8), dbSNP rs61745855, ClinGen allele CA6435486.

ClinVar aggregate classification (germline): Uncertain significance. Review status: criteria provided, multiple submitters, no conflicts (2 of 4 stars). 2 submissions from 2 submitters: Uncertain significance (2). Last evaluated 2025-09-16.

Allele frequency attached by ClinVar (database versions not stated): gnomAD exomes 0.00001; ExAC 0.00002; TOPMed 0.00006; ESP Exome Variant Server 0.00008; gnomAD 0.00009.
gnomAD v4.1: 31 of 1,612,906 alleles (0.0019%); highest among the groups gnomAD compares: African/African-American, 0.039%; no homozygotes.

Submissions (2):

Labcorp Genetics (formerly Invitae), Labcorp
Classification: Uncertain significance. Last evaluated: 2025-09-16. Review status: criteria provided, single submitter. Criteria: Invitae Variant Classification Sherloc (09022015). Collection method: clinical testing. Allele origin: germline.
Comment: This sequence change replaces threonine, which is neutral and polar, with serine, which is neutral and polar, at codon 323 of the A2ML1 protein (p.Thr323Ser). This variant is present in population databases (rs61745855, gnomAD 0.03%). This variant has not been reported in the literature in individuals affected with A2ML1-related conditions. ClinVar contains an entry for this variant (Variation ID: 1767758). An algorithm developed to predict the effect of missense changes on protein structure and function (PolyPhen-2) suggests that this variant is likely to be disruptive. In summary, the available evidence is currently insufficient to determine the role of this variant in disease. Therefore, it has been classified as a Variant of Uncertain Significance.

Ambry Genetics
Classification: Uncertain significance. Last evaluated: 2025-05-27. Review status: criteria provided, single submitter. Criteria: Ambry Variant Classification Scheme 2023. Collection method: clinical testing. Allele origin: germline.
Comment: The p.T323S variant (also known as c.967A>T), located in coding exon 9 of the A2ML1 gene, results from an A to T substitution at nucleotide position 967. The threonine at codon 323 is replaced by serine, an amino acid with similar properties. This amino acid position is conserved. In addition, this alteration is predicted to be tolerated by in silico analysis. Since supporting evidence is limited at this time, the clinical significance of this alteration remains unclear.